The following is an entry in ClinVar:

NM_024675.4(PALB2):c.1794G>A (p.Leu598=)

Gene: PALB2 (partner and localizer of BRCA2; minus strand). Cytogenetic location: 16p12.2.
Variant type: single nucleotide variant.
Coding change: c.1794G>A on transcript NM_024675.4 (MANE Select); coding-DNA position 1794, G replaced by A.
Protein change: p.Leu598=; no amino-acid change (leucine 598 retained).
Molecular consequence: synonymous variant.
Genome position (GRCh38, 1-based): chr16:23,630,360, C>T on the plus strand (G>A on the coding strand, the complement: PALB2 is on the minus strand). VCF-style: chr16-23630360-C-T. GRCh37 (hg19) VCF-style: chr16-23641681-C-T.
Other names: NM_024675.3(PALB2):c.1794G>A; p.Leu598=.
Identifiers: ClinVar variation 219588 (VCV000219588.30), dbSNP rs182494675, ClinGen allele CA350171.

ClinVar aggregate classification (germline): Likely benign. Review status: reviewed by expert panel (3 of 4 stars). 13 submissions from 13 submitters: Likely benign (1). 12 of the submissions do not count toward it. Last evaluated 2023-04-05.

Conditions:
Familial cancer of breast. Also called: hereditary breast carcinoma; Hereditary breast cancer; BREAST CANCER, FAMILIAL. Identifiers: Orphanet 227535, MedGen C0346153, MONDO:0016419, OMIM 114480. Disease mechanism: loss of function.
Pancreatic cancer, susceptibility to, 3. Identifiers: Orphanet 1333, MedGen C3150547, MONDO:0013236, OMIM 613348.
Fanconi anemia complementation group N. Also called: PALB2-Related Fanconi Anemia. Identifiers: Orphanet 84, MedGen C1835817, MONDO:0012565, OMIM 610832. Disease mechanism: loss of function.
PALB2-related cancer predisposition. Identifiers: MedGen CN377761, MONDO:0700272.
PALB2-related disorder. Also called: PALB2-related disorders; PALB2-related condition.
Hereditary cancer-predisposing syndrome. Also called: Tumor predisposition; Neoplastic Syndromes, Hereditary; Hereditary Cancer Syndrome; Hereditary neoplastic syndrome. Identifiers: Orphanet 140162, MedGen C0027672, MeSH D009386, MONDO:0015356.

Allele frequency attached by ClinVar (database versions not stated): ExAC 0.00006; ESP Exome Variant Server 0.00015; gnomAD 0.00015; TOPMed 0.00019; 1000 Genomes Project 0.00040; 1000 Genomes Project 30x 0.00047.
gnomAD v4.1: 47 of 1,614,132 alleles (0.0029%); highest among the groups gnomAD compares: African/African-American, 0.061%; no homozygotes.

Submissions (13):

ClinGen Hereditary Breast, Ovarian and Pancreatic Cancer Variant Curation Expert Panel, ClinGen
Classification: Likely benign for PALB2-related cancer predisposition. Last evaluated: 2023-04-05. Review status: reviewed by expert panel. Criteria: ClinGen HBOP VCEP ACMG Specifications PALB2 V1.0.0. Collection method: curation. Allele origin: germline. Inheritance: Autosomal dominant inheritance.
Comment: The c.1794G>A (p.Leu598=) variant in PALB2 is a synonymous (silent) variant that is not predicted by MaxEntScan or SpliceAI to impact splicing. The highest population filtering allele frequency in gnomAD v2.1.1 is 0.0005689 in the African population, which is higher than the HBOP VCEP threshold (>0.0001) for BS1, and therefore meets this criterion. In summary, this variant meets criteria to be classified as likely benign for autosomal dominant hereditary breast and pancreatic cancer and autosomal recessive FANCN based on the ACMG/AMP criteria applied as specified by the HBOP VCEP (BS1, BP4, BP7).

Labcorp Genetics (formerly Invitae), Labcorp
Classification: Benign for Familial cancer of breast. Last evaluated: 2026-01-19. Review status: criteria provided, single submitter. Criteria: Invitae Variant Classification Sherloc (09022015). Collection method: clinical testing. Allele origin: germline. Not counted in ClinVar's aggregate classification.

Blueprint Genetics
Classification: Likely benign. Last evaluated: 2024-09-11. Review status: criteria provided, single submitter. Criteria: ACMG Guidelines, 2015. Collection method: clinical testing. Allele origin: germline. Not counted in ClinVar's aggregate classification.

Myriad Genetics, Inc.
Classification: Benign for Familial cancer of breast. Last evaluated: 2023-03-30. Review status: criteria provided, single submitter. Criteria: Myriad Autosomal Dominant, Autosomal Recessive and X-Linked Classification Criteria (2023). Collection method: clinical testing. Allele origin: unknown. Not counted in ClinVar's aggregate classification.
Comment: This variant is considered benign. This variant is a silent/synonymous amino acid change and it is not expected to impact splicing.

Fulgent Genetics
Classification: Likely benign for Familial cancer of breast; Fanconi anemia complementation group N; Pancreatic cancer, susceptibility to, 3. Last evaluated: 2022-03-30. Review status: criteria provided, single submitter. Criteria: ACMG Guidelines, 2015. Collection method: clinical testing. Allele origin: unknown. Not counted in ClinVar's aggregate classification.

Quest Diagnostics Nichols Institute San Juan Capistrano
Classification: Likely benign. Last evaluated: 2021-08-03. Review status: criteria provided, single submitter. Criteria: Quest Diagnostics criteria. Collection method: clinical testing. Allele origin: unknown. Not counted in ClinVar's aggregate classification.

Sema4
Classification: Likely benign for Hereditary cancer-predisposing syndrome. Last evaluated: 2021-05-13. Review status: criteria provided, single submitter. Criteria: Sema4 Curation Guidelines. Collection method: curation. Allele origin: germline. Not counted in ClinVar's aggregate classification.

GeneDx
Classification: Likely benign. Last evaluated: 2020-09-28. Review status: criteria provided, single submitter. Criteria: GeneDx Variant Classification Process June 2021. Collection method: clinical testing. Allele origin: germline. Affected: yes. Not counted in ClinVar's aggregate classification.

Women's Health and Genetics/Laboratory Corporation of America, LabCorp
Classification: Benign. Last evaluated: 2018-06-15. Review status: criteria provided, single submitter. Criteria: LabCorp Variant Classification Summary - May 2015. Collection method: clinical testing. Allele origin: germline. Not counted in ClinVar's aggregate classification.
Comment: Variant summary: PALB2 c.1794G>A results in a synonymous change. 5/5 computational tools predict no significant impact on normal splicing. However, these predictions have yet to be confirmed by functional studies. The observed variant frequency within African control individuals in the gnomAD database is approximately 5.31 fold of the estimated maximal expected allele frequency for a pathogenic variant in PALB2 causing Hereditary Breast and Ovarian Cancer phenotype (0.00016), strongly suggesting that the variant is a benign polymorphism found primarily in populations of African origin. The variant was also found in 2/9884 individuals who are cancer free and older than age 70. To our knowledge, no occurrence of c.1794G>A in individuals affected with Hereditary Breast and Ovarian Cancer and no experimental evidence demonstrating its impact on protein function have been reported. Five clinical diagnostic laboratories have submitted clinical-significance assessments for this variant to ClinVar after 2014 without evidence for independent evaluation. All laboratories classified the variant as likely benign. Based on the evidence outlined above, the variant was classified as benign.

Color Diagnostics, LLC DBA Color Health
Classification: Likely benign for Hereditary cancer-predisposing syndrome. Last evaluated: 2016-05-03. Review status: criteria provided, single submitter. Criteria: ACMG Guidelines, 2015. Collection method: clinical testing. Allele origin: germline. Not counted in ClinVar's aggregate classification.

Ambry Genetics
Classification: Likely benign for Hereditary cancer-predisposing syndrome. Last evaluated: 2015-02-24. Review status: criteria provided, single submitter. Criteria: Ambry Variant Classification Scheme 2023. Collection method: clinical testing. Allele origin: germline. Not counted in ClinVar's aggregate classification.

PreventionGenetics, part of Exact Sciences
Classification: Likely benign for PALB2-related condition. Last evaluated: 2019-07-24. Review status: no assertion criteria provided. Collection method: clinical testing. Allele origin: germline. Not counted in ClinVar's aggregate classification.
Comment: This variant is classified as likely benign based on ACMG/AMP sequence variant interpretation guidelines (Richards et al. 2015 PMID: 25741868, with internal and published modifications).

Counsyl
Classification: Likely benign for Familial cancer of breast. Last evaluated: 2016-11-02. Review status: no assertion criteria provided. Collection method: clinical testing. Allele origin: unknown. Not counted in ClinVar's aggregate classification.